The following is an entry in ClinVar:

ClinVar aggregate classification (germline): Uncertain significance (1 of 4 stars; one submission).

Conditions:
Dilated cardiomyopathy 1W (CMD1W). Identifiers: Orphanet 154, MedGen C1969639, MONDO:0012667, OMIM 611407.

Submission:

Labcorp Genetics (formerly Invitae), Labcorp
Classification: Uncertain significance for Dilated cardiomyopathy 1W. Last evaluated: 2020-02-05. Review status: criteria provided, single submitter. Criteria: Invitae Variant Classification Sherloc (09022015). Collection method: clinical testing. Allele origin: germline.
Comment: This sequence change replaces glutamine with glutamic acid at codon 971 of the VCL protein (p.Gln971Glu). The glutamine residue is moderately conserved and there is a small physicochemical difference between glutamine and glutamic acid. This variant is not present in population databases (ExAC no frequency). This variant has not been reported in the literature in individuals with VCL-related conditions. Algorithms developed to predict the effect of missense changes on protein structure and function are either unavailable or do not agree on the potential impact of this missense change (SIFT: Not Available; PolyPhen-2: Benign; Align-GVGD: Not Available). In summary, the available evidence is currently insufficient to determine the role of this variant in disease. Therefore, it has been classified as a Variant of Uncertain Significance.

NM_014000.3(VCL):c.2911C>G (p.Gln971Glu)

Gene: VCL (vinculin; plus strand). Cytogenetic location: 10q22.2.
Variant type: single nucleotide variant.
Coding change: c.2911C>G on transcript NM_014000.3 (MANE Select); coding-DNA position 2911, C replaced by G.
Protein change: p.Gln971Glu; replaces glutamine 971 with glutamic acid.
Molecular consequence: missense variant. On other transcripts: intron variant (1).
Genome position (GRCh38, 1-based): chr10:74,112,074, C>G. VCF-style: chr10-74112074-C-G. GRCh37 (hg19) VCF-style: chr10-75871832-C-G.
Other names: c.2746-2110C>G (NM_003373.4); short protein forms Q971E.
Identifiers: ClinVar variation 1055463 (VCV001055463.1), dbSNP rs2131937390, ClinGen allele CA377264853.